The following is an entry in ClinVar:

ClinVar aggregate classification (germline): Uncertain significance (1 of 4 stars; one submission).

Conditions:
Hoyeraal-Hreidarsson syndrome (HHS). Also called: CEREBELLAR HYPOPLASIA WITH PANCYTOPENIA. Identifiers: Orphanet 3322, MedGen C1846142, MONDO:0018045.
Autosomal recessive dyskeratosis congenita. Identifiers: MedGen C3502105.

Allele frequency attached by ClinVar (database versions not stated): TOPMed below 0.00001; ExAC 0.00001; gnomAD exomes 0.00001.

Submission:

Labcorp Genetics (formerly Invitae), Labcorp
Classification: Uncertain significance for Hoyeraal-Hreidarsson syndrome; Autosomal recessive dyskeratosis congenita. Last evaluated: 2020-03-09. Review status: criteria provided, single submitter. Criteria: Invitae Variant Classification Sherloc (09022015). Collection method: clinical testing. Allele origin: germline.
Comment: In summary, the available evidence is currently insufficient to determine the role of this variant in disease. Therefore, it has been classified as a Variant of Uncertain Significance. Algorithms developed to predict the effect of missense changes on protein structure and function (SIFT, PolyPhen-2, Align-GVGD) all suggest that this variant is likely to be tolerated, but these predictions have not been confirmed by published functional studies and their clinical significance is uncertain. This variant has not been reported in the literature in individuals with DCLRE1B-related conditions. This variant is present in population databases (rs781509316, ExAC 0.001%). This sequence change replaces glycine with valine at codon 478 of the DCLRE1B protein (p.Gly478Val). The glycine residue is weakly conserved and there is a moderate physicochemical difference between glycine and valine.

NM_022836.4(DCLRE1B):c.1433G>T (p.Gly478Val)

Gene: DCLRE1B (DNA cross-link repair 1B; plus strand). Cytogenetic location: 1p13.2.
Variant type: single nucleotide variant.
Coding change: c.1433G>T on transcript NM_022836.4 (MANE Select); coding-DNA position 1433, G replaced by T.
Protein change: p.Gly478Val; replaces glycine 478 with valine.
Molecular consequence: missense variant. On other transcripts: intron variant (2).
Genome position (GRCh38, 1-based): chr1:113,912,025, G>T. VCF-style: chr1-113912025-G-T. GRCh37 (hg19) VCF-style: chr1-114454647-G-T.
Other names: c.1055G>T, p.Gly352Val (NM_001319946.2, NM_001319947.2); c.1247-107G>T (NM_001363690.2); c.869-107G>T (NM_001363691.2); short protein forms G352V, G478V.
Identifiers: ClinVar variation 1058614 (VCV001058614.9), dbSNP rs781509316, ClinGen allele CA1016588.